The following is an entry in ClinVar:

NM_001009944.3(PKD1):c.9521A>C (p.His3174Pro)

Gene: PKD1 (polycystin 1, transient receptor potential channel interacting; minus strand). Cytogenetic location: 16p13.3.
Variant type: single nucleotide variant.
Coding change: c.9521A>C on transcript NM_001009944.3 (MANE Select); coding-DNA position 9521, A replaced by C.
Protein change: p.His3174Pro; replaces histidine 3174 with proline.
Molecular consequence: missense variant.
Genome position (GRCh38, 1-based): chr16:2,100,443, T>G on the plus strand (A>C on the coding strand, the complement: PKD1 is on the minus strand). VCF-style: chr16-2100443-T-G. GRCh37 (hg19) VCF-style: chr16-2150444-T-G.
Other names: c.9521A>C, p.His3174Pro (NM_000296.4); short protein forms H3174P.
Identifiers: ClinVar variation 805194 (VCV000805194.10), dbSNP rs769045618, ClinGen allele CA394356103.
Genomic context (GRCh38, chr16:2,100,443, plus strand): 5'-GGTCCGCACAAACCTTTGTTGTCGTGCCACACTCGGATCTTCCACACGCTACCCAGGCTG[T>G]GCGGGGTGGCGATCCGGAAGATGTCCAGGCTGTTGCGGTGGAAGGCTCTGTCGCCGTCCA-3'
Protein context (NP_001009944.3, residues 3164-3184): SLDIFRIATP[His3174Pro]SLGSVWKIRV

ClinVar aggregate classification (germline): Conflicting classifications of pathogenicity. Review status: criteria provided, conflicting classifications (1 of 4 stars). 5 submissions from 5 submitters: Likely pathogenic (1); Uncertain significance (4). Last evaluated 2026-06-05.

Conditions:
PKD1-related disorder. Also called: PKD1-related condition.
Polycystic kidney disease, adult type (PKD1). Also called: Polycystic Kidney Disease 1, Autosomal Dominant; Polycystic kidney disease 1; Polycystic kidney disease 1, severe; POLYCYSTIC KIDNEY DISEASE, ADULT, TYPE I; Polycystic Kidney, Autosomal Dominant; POLYCYSTIC KIDNEY DISEASE 1 WITH OR WITHOUT POLYCYSTIC LIVER DISEASE. Identifiers: MedGen C3149841, MONDO:0008263, OMIM 173900.

Submissions (5):

GeneDx
Classification: Uncertain significance. Last evaluated: 2026-06-05. Review status: criteria provided, single submitter. Criteria: GeneDx Variant Classification Process June 2021. Collection method: clinical testing. Allele origin: germline.
Comment: Not observed at significant frequency in large population cohorts (gnomAD); In silico analysis suggests that this missense variant does not alter protein structure/function; Has not been previously published as pathogenic or benign to our knowledge

Women's Health and Genetics/Laboratory Corporation of America, LabCorp
Classification: Uncertain significance. Last evaluated: 2025-06-18. Review status: criteria provided, single submitter. Criteria: LabCorp Variant Classification Summary - May 2015. Collection method: clinical testing. Allele origin: germline.
Comment: Variant summary: PKD1 c.9521A>C (p.His3174Pro) results in a non-conservative amino acid change in the encoded protein sequence. Algorithms developed to predict the effect of missense changes on protein structure and function are either unavailable or do not agree on the potential impact of this missense change. The variant was absent in 249418 control chromosomes (gnomAD). The available data on variant occurrences in the general population are insufficient to allow any conclusion about variant significance. To our knowledge, no occurrence of c.9521A>C in individuals affected with PKD1-Biallelic Autosomal Recessive Polycystic Kidney Disease and no experimental evidence demonstrating its impact on protein function have been reported. ClinVar contains an entry for this variant (Variation ID: 805194). Based on the evidence outlined above, the variant was classified as uncertain significance.

PreventionGenetics, part of Exact Sciences
Classification: Likely pathogenic for PKD1-related condition. Last evaluated: 2024-11-27. Review status: criteria provided, single submitter. Criteria: ACMG Guidelines, 2015. Collection method: clinical testing. Allele origin: germline.
Comment: The PKD1 c.9521A>C variant is predicted to result in the amino acid substitution p.His3174Pro. To our knowledge, this variant has not been reported in the literature or in a large population database (gnomAD), indicating this variant is rare. This variant has been found to segregate with disease in a family with autosomal dominant polycystic kidney disease (Internal Data). This variant is interpreted as likely pathogenic.

Athena Diagnostics
Classification: Uncertain significance. Last evaluated: 2020-01-28. Review status: criteria provided, single submitter. Criteria: Athena Diagnostics Criteria. Collection method: clinical testing. Allele origin: unknown.

Juno Genomics, Hangzhou Juno Genomics, Inc
Classification: Uncertain significance for Polycystic kidney disease, adult type. Review status: criteria provided, single submitter. Criteria: ACMG Guidelines, 2015. Collection method: clinical testing. Allele origin: germline. Affected: yes.
Comment: Absent from controls (or at extremely low frequency if recessive) in Genome Aggregation Database, Exome Sequencing Project, 1000 Genomes Project, or Exome Aggregation Consortium.